The following is an entry in ClinVar:

ClinVar aggregate classification (germline): Uncertain significance (1 of 4 stars; one submission).

Conditions:
Autosomal dominant polycystic kidney disease. Identifiers: Orphanet 730, MedGen C0085413, MONDO:0004691.

Submission:

Labcorp Genetics (formerly Invitae), Labcorp
Classification: Uncertain significance for Autosomal dominant polycystic kidney disease. Last evaluated: 2025-05-13. Review status: criteria provided, single submitter. Criteria: Invitae Variant Classification Sherloc (09022015). Collection method: clinical testing. Allele origin: germline.
Comment: This sequence change replaces methionine, which is neutral and non-polar, with arginine, which is basic and polar, at codon 56 of the PKD2 protein (p.Met56Arg). This variant is not present in population databases (gnomAD no frequency). This variant has not been reported in the literature in individuals affected with PKD2-related conditions. An algorithm developed to predict the effect of missense changes on protein structure and function (PolyPhen-2) suggests that this variant is likely to be disruptive. In summary, the available evidence is currently insufficient to determine the role of this variant in disease. Therefore, it has been classified as a Variant of Uncertain Significance.

NM_000297.4(PKD2):c.167T>G (p.Met56Arg)

Genes: PKD2 (polycystin 2, transient receptor potential cation channel; plus strand), LOC129992813 (ATAC-STARR-seq lymphoblastoid silent region 15559; plus strand). Cytogenetic location: 4q22.1.
Variant type: single nucleotide variant.
Coding change: c.167T>G on transcript NM_000297.4 (MANE Select); coding-DNA position 167, T replaced by G.
Protein change: p.Met56Arg; replaces methionine 56 with arginine.
Molecular consequence: missense variant. On other transcripts: non-coding transcript variant (1).
Genome position (GRCh38, 1-based): chr4:88,007,900, T>G. VCF-style: chr4-88007900-T-G. GRCh37 (hg19) VCF-style: chr4-88929052-T-G.
Other names: c.167T>G, p.Met56Arg (NM_001440544.1); short protein forms M56R.
Identifiers: ClinVar variation 4771893 (VCV004771893.1).
Genomic context (GRCh38, chr4:88,007,900, plus strand): 5'-TGGGCGCCAGCCTCGCCGCCCCGGGCGGCCTCTGCGAGCAGCGGGGCCTGGAGATCGAGA[T>G]GCAGCGCATCCGGCAGGCGGCCGCGCGGGACCCCCCGGCCGGAGCCGCGGCCTCCCCTTC-3'
Protein context (NP_000288.1, residues 46-66): LCEQRGLEIE[Met56Arg]QRIRQAAARD